The following is an entry in ClinVar:

ClinVar aggregate classification (germline): Uncertain significance (1 of 4 stars; one submission).

Conditions:
Regional enteritis. Also called: Enteritis, Granulomatous. Identifiers: MedGen C0678202, MeSH D003424.
Blau syndrome (BLAUS). Also called: ARTHROCUTANEOUVEAL GRANULOMATOSIS; GRANULOMATOSIS, FAMILIAL JUVENILE SYSTEMIC; GRANULOMATOSIS, FAMILIAL, BLAU TYPE; GRANULOMATOUS INFLAMMATORY ARTHRITIS, DERMATITIS, AND UVEITIS, FAMILIAL; JABS SYNDROME. Identifiers: Orphanet 90340, MedGen C5201146, MONDO:0008523, OMIM 186580.

Allele frequency attached by ClinVar (database versions not stated): gnomAD exomes below 0.00001; gnomAD 0.00001; TOPMed 0.00001; ExAC 0.00004; ESP Exome Variant Server 0.00008.
gnomAD v4.1: 4 of 1,559,800 alleles (0.00026%); highest among the groups gnomAD compares: African/African-American, 0.0054%; no homozygotes.

Submission:

Labcorp Genetics (formerly Invitae), Labcorp
Classification: Uncertain significance for Regional enteritis; Blau syndrome. Last evaluated: 2023-12-23. Review status: criteria provided, single submitter. Criteria: Invitae Variant Classification Sherloc (09022015). Collection method: clinical testing. Allele origin: germline.
Comment: This sequence change replaces serine, which is neutral and polar, with phenylalanine, which is neutral and non-polar, at codon 9 of the NOD2 protein (p.Ser9Phe). This variant is present in population databases (rs376966894, gnomAD 0.01%). This variant has not been reported in the literature in individuals affected with NOD2-related conditions. Advanced modeling of protein sequence and biophysical properties (such as structural, functional, and spatial information, amino acid conservation, physicochemical variation, residue mobility, and thermodynamic stability) performed at Invitae indicates that this missense variant is not expected to disrupt NOD2 protein function with a negative predictive value of 95%. In summary, the available evidence is currently insufficient to determine the role of this variant in disease. Therefore, it has been classified as a Variant of Uncertain Significance.

NM_001370466.1(NOD2):c.-8-2219C>T

Gene: NOD2 (nucleotide binding oligomerization domain containing 2; plus strand). Cytogenetic location: 16q12.1.
Variant type: single nucleotide variant.
Coding change: c.-8-2219C>T on transcript NM_001370466.1 (MANE Select); 2219 bases into the intron before 8 bases upstream of the start codon, C replaced by T.
Molecular consequence: intron variant. On other transcripts: missense variant (1).
Genome position (GRCh38, 1-based): chr16:50,697,269, C>T. VCF-style: chr16-50697269-C-T. GRCh37 (hg19) VCF-style: chr16-50731180-C-T.
Other names: c.26C>T, p.Ser9Phe (NM_022162.3); short protein forms S9F.
Identifiers: ClinVar variation 2940981 (VCV002940981.3), dbSNP rs376966894, ClinGen allele CA8051165.